The following is an entry in ClinVar:

NM_001103146.3(GIGYF2):c.3774G>A (p.Val1258=)

Gene: GIGYF2 (GRB10 interacting GYF protein 2; plus strand). Cytogenetic location: 2q37.1.
Variant type: single nucleotide variant.
Coding change: c.3774G>A on transcript NM_001103146.3 (MANE Select); coding-DNA position 3774, G replaced by A.
Protein change: p.Val1258=; no amino-acid change (valine 1258 retained).
Molecular consequence: synonymous variant. On other transcripts: non-coding transcript variant (1).
Genome position (GRCh38, 1-based): chr2:232,850,351, G>A. VCF-style: chr2-232850351-G-A. GRCh37 (hg19) VCF-style: chr2-233715061-G-A.
Other names: p.Val1258=; c.3837G>A, p.Val1279= (NM_001103147.2); c.3756G>A, p.Val1252= (NM_001103148.2); c.3774G>A, p.Val1258= (NM_015575.4).
Identifiers: ClinVar variation 4684665 (VCV004684665.1).

ClinVar aggregate classification (germline): Likely benign (1 of 4 stars; one submission).

gnomAD v4.1: 2,112 of 1,613,988 alleles (0.13%); highest among the groups gnomAD compares: Non-Finnish European, 0.17%; 4 homozygotes.

Submission:

Mayo Clinic Laboratories, Mayo Clinic
Classification: Likely benign. Last evaluated: 2025-10-12. Review status: criteria provided, single submitter. Criteria: ACMG Guidelines, 2015. Collection method: clinical testing. Allele origin: germline. Observed: 1 variant allele.
Comment: BS2, BP4, BP7